The following is an entry in ClinVar:

NM_000051.4(ATM):c.1672G>T (p.Gly558Ter)

Gene: ATM (ATM serine/threonine kinase; plus strand). Cytogenetic location: 11q22.3.
Variant type: single nucleotide variant.
Coding change: c.1672G>T on transcript NM_000051.4 (MANE Select); coding-DNA position 1672, G replaced by T.
Protein change: p.Gly558Ter; replaces glycine 558 with a stop codon.
Molecular consequence: nonsense.
Genome position (GRCh38, 1-based): chr11:108,251,901, G>T. VCF-style: chr11-108251901-G-T. GRCh37 (hg19) VCF-style: chr11-108122628-G-T.
Other names: c.1672G>T, p.Gly558Ter (NM_001351834.2); short protein forms G558*.
Identifiers: ClinVar variation 1777731 (VCV001777731.3), dbSNP rs2135340694, ClinGen allele CA382535124.

ClinVar aggregate classification (germline): Pathogenic (1 of 4 stars; one submission).

Conditions:
Hereditary cancer-predisposing syndrome. Also called: Tumor predisposition; Hereditary Cancer Syndrome; Hereditary neoplastic syndrome; Neoplastic Syndromes, Hereditary. Identifiers: Orphanet 140162, MedGen C0027672, MeSH D009386, MONDO:0015356.

Submission:

Ambry Genetics
Classification: Pathogenic for Hereditary cancer-predisposing syndrome. Last evaluated: 2026-02-20. Review status: criteria provided, single submitter. Criteria: Ambry Variant Classification Scheme 2023. Collection method: clinical testing. Allele origin: germline.
Comment: The p.G558* pathogenic mutation (also known as c.1672G>T), located in coding exon 10 of the ATM gene, results from a G to T substitution at nucleotide position 1672. This changes the amino acid from a glycine to a stop codon within coding exon 10. This variant is considered to be rare based on population cohorts in the Genome Aggregation Database (gnomAD). This alteration is expected to result in loss of function by premature protein truncation or nonsense-mediated mRNA decay. As such, this alteration is interpreted as a disease-causing mutation.